The following is an entry in ClinVar:

ClinVar aggregate classification (germline): Likely benign (1 of 4 stars; one submission).

Conditions:
Hirschsprung disease, susceptibility to, 3. Identifiers: Orphanet 388, MedGen C3150974, MONDO:0013383, OMIM 613711.

Allele frequency attached by ClinVar (database versions not stated): TOPMed 0.00002; gnomAD 0.00003 and 0.00009; 1000 Genomes Project 30x 0.00031; 1000 Genomes Project 0.00040.

Submission:

Illumina Laboratory Services, Illumina
Classification: Likely benign for Hirschsprung disease, susceptibility to, 3. Last evaluated: 2018-01-12. Review status: criteria provided, single submitter. Criteria: ICSL Variant Classification Criteria 13 December 2019. Collection method: clinical testing. Allele origin: germline.
Comment: This variant was observed in the ICSL laboratory as part of a predisposition screen in an ostensibly healthy population. It had not been previously curated by ICSL or reported in the Human Gene Mutation Database (HGMD: prior to June 1st, 2018), and was therefore a candidate for classification through an automated scoring system. Utilizing variant allele frequency, disease prevalence and penetrance estimates, and inheritance mode, an automated score was calculated to assess if this variant is too frequent to cause the disease. Based on the score and internal cut-off values, a variant classified as likely benign is not then subjected to further curation. The score for this variant resulted in a classification of likely benign for this disease.

NM_000514.4(GDNF):c.*1375T>C

Gene: GDNF (glial cell derived neurotrophic factor; minus strand). Cytogenetic location: 5p13.2.
Variant type: single nucleotide variant.
Coding change: c.*1375T>C on transcript NM_000514.4 (MANE Select); 1375 bases downstream of the stop codon, T replaced by C.
Molecular consequence: 3 prime UTR variant.
Genome position (GRCh38, 1-based): chr5:37,814,276, A>G on the plus strand (T>C on the coding strand, the complement: GDNF is on the minus strand). VCF-style: chr5-37814276-A-G. GRCh37 (hg19) VCF-style: chr5-37814378-A-G.
Other names: c.*1375T>C (NM_001190468.1, NM_001190469.1, NM_001278098.1 and 1 more transcripts).
Identifiers: ClinVar variation 906073 (VCV000906073.4), dbSNP rs566717310, ClinGen allele CA117492915.